The following is an entry in ClinVar:

NM_000282.4(PCCA):c.322G>T (p.Glu108Ter)

Gene: PCCA (propionyl-CoA carboxylase subunit alpha; plus strand). Cytogenetic location: 13q32.3.
Variant type: single nucleotide variant.
Coding change: c.322G>T on transcript NM_000282.4 (MANE Select); coding-DNA position 322, G replaced by T.
Protein change: p.Glu108Ter; replaces glutamic acid 108 with a stop codon.
Molecular consequence: nonsense. On other transcripts: 5 prime UTR variant (3), non-coding transcript variant (5).
Genome position (GRCh38, 1-based): chr13:100,155,000, G>T. VCF-style: chr13-100155000-G-T. GRCh37 (hg19) VCF-style: chr13-100807254-G-T.
Other names: c.244G>T, p.Glu82Ter (NM_001127692.3, NM_001352607.2, NM_001352608.2); c.322G>T, p.Glu108Ter (NM_001178004.2, NM_001352605.2, NM_001352606.2 and 1 more transcripts); c.-545G>T (NM_001352610.2, NM_001352611.2, NM_001352612.2); short protein forms E108*, E82*.
Identifiers: ClinVar variation 2705966 (VCV002705966.3), dbSNP rs2542865771, ClinGen allele CA388693599.

ClinVar aggregate classification (germline): Pathogenic (1 of 4 stars; one submission).

Conditions:
Propionic acidemia (PROP). Also called: GLYCINEMIA, KETOTIC; HYPERGLYCINEMIA WITH KETOACIDOSIS AND LEUKOPENIA; KETOTIC HYPERGLYCINEMIA. Identifiers: Orphanet 35, MedGen C0268579, MONDO:0011628, OMIM 606054, HP:0003571.

Submission:

Labcorp Genetics (formerly Invitae), Labcorp
Classification: Pathogenic for Propionic acidemia. Last evaluated: 2023-12-27. Review status: criteria provided, single submitter. Criteria: Invitae Variant Classification Sherloc (09022015). Collection method: clinical testing. Allele origin: germline.
Comment: This sequence change creates a premature translational stop signal (p.Glu108*) in the PCCA gene. It is expected to result in an absent or disrupted protein product. Loss-of-function variants in PCCA are known to be pathogenic (PMID: 15464417). This variant is not present in population databases (gnomAD no frequency). This variant has not been reported in the literature in individuals affected with PCCA-related conditions. For these reasons, this variant has been classified as Pathogenic.

Literature cited by the submitters: PubMed 15464417.